The following is an entry in ClinVar:

NM_006348.5(COG5):c.1078C>T (p.Leu360Phe)

Gene: COG5 (component of oligomeric golgi complex 5; minus strand). Cytogenetic location: 7q22.3.
Variant type: single nucleotide variant.
Coding change: c.1078C>T on transcript NM_006348.5 (MANE Select); coding-DNA position 1078, C replaced by T.
Protein change: p.Leu360Phe; replaces leucine 360 with phenylalanine.
Molecular consequence: missense variant. On other transcripts: intron variant (1).
Genome position (GRCh38, 1-based): chr7:107,324,470, G>A on the plus strand (C>T on the coding strand, the complement: COG5 is on the minus strand). VCF-style: chr7-107324470-G-A. GRCh37 (hg19) VCF-style: chr7-106964915-G-A.
Other names: c.1078C>T, p.Leu360Phe (NM_001161520.2, NM_001379511.1, NM_001379512.1 and 3 more transcripts); c.364C>T, p.Leu122Phe (NM_001379516.1); c.539-26124C>T (NM_001379515.1); short protein forms L360F, L122F.
Identifiers: ClinVar variation 1397546 (VCV001397546.5), dbSNP rs762031095, ClinGen allele CA368941352.

ClinVar aggregate classification (germline): Uncertain significance (1 of 4 stars; one submission).

Conditions:
COG5-congenital disorder of glycosylation. Also called: COG5-CDG; CDG IIi; CONGENITAL DISORDER OF GLYCOSYLATION, TYPE IIi. Identifiers: Orphanet 263487, MedGen C3150876, MONDO:0013325, OMIM 613612.

gnomAD v4.1: 1 of 1,605,464 alleles (0.000062%); highest among the groups gnomAD compares: Admixed American, 0.0017%; no homozygotes.

Submission:

Labcorp Genetics (formerly Invitae), Labcorp
Classification: Uncertain significance for COG5-congenital disorder of glycosylation. Last evaluated: 2022-03-18. Review status: criteria provided, single submitter. Criteria: Invitae Variant Classification Sherloc (09022015). Collection method: clinical testing. Allele origin: germline.
Comment: In summary, the available evidence is currently insufficient to determine the role of this variant in disease. Therefore, it has been classified as a Variant of Uncertain Significance. Algorithms developed to predict the effect of missense changes on protein structure and function are either unavailable or do not agree on the potential impact of this missense change (SIFT: "Deleterious"; PolyPhen-2: "Possibly Damaging"; Align-GVGD: "Class C0"). This variant has not been reported in the literature in individuals affected with COG5-related conditions. This variant is present in population databases (no rsID available, gnomAD 0.003%). This sequence change replaces leucine, which is neutral and non-polar, with phenylalanine, which is neutral and non-polar, at codon 391 of the COG5 protein (p.Leu391Phe).